The following is an entry in ClinVar:

ClinVar aggregate classification (germline): Likely benign. Review status: criteria provided, multiple submitters, no conflicts (2 of 4 stars). 3 submissions from 3 submitters: Likely benign (2). 1 of the submissions does not count toward it. Last evaluated 2025-11-27.

Conditions:
GABRD-related disorder. Also called: GABRD-related condition.
Idiopathic generalized epilepsy. Also called: Generalised epilepsy; EIG. Identifiers: MedGen C0270850, MONDO:0005579, OMIM 600669.

Allele frequency attached by ClinVar (database versions not stated): gnomAD exomes 0.00021; ExAC 0.00022; gnomAD 0.00034 and 0.00037; ESP Exome Variant Server 0.00039; TOPMed 0.00044; 1000 Genomes Project 30x 0.00078; 1000 Genomes Project 0.00100.
gnomAD v4.1: 270 of 1,608,378 alleles (0.017%); highest among the groups gnomAD compares: African/African-American, 0.077%; no homozygotes.

Submissions (3):

Labcorp Genetics (formerly Invitae), Labcorp
Classification: Likely benign for Idiopathic generalized epilepsy. Last evaluated: 2025-11-27. Review status: criteria provided, single submitter. Criteria: Invitae Variant Classification Sherloc (09022015). Collection method: clinical testing. Allele origin: germline.

Athena Diagnostics
Classification: Likely benign. Last evaluated: 2018-10-18. Review status: criteria provided, single submitter. Criteria: Athena Diagnostics Criteria. Collection method: clinical testing. Allele origin: germline.

PreventionGenetics, part of Exact Sciences
Classification: Likely benign for GABRD-related condition. Last evaluated: 2022-09-07. Review status: no assertion criteria provided. Collection method: clinical testing. Allele origin: germline. Not counted in ClinVar's aggregate classification.
Comment: This variant is classified as likely benign based on ACMG/AMP sequence variant interpretation guidelines (Richards et al. 2015 PMID: 25741868, with internal and published modifications).

NM_000815.5(GABRD):c.1152G>A (p.Pro384=)

Gene: GABRD (gamma-aminobutyric acid type A receptor subunit delta; plus strand). Cytogenetic location: 1p36.33.
Variant type: single nucleotide variant.
Coding change: c.1152G>A on transcript NM_000815.5 (MANE Select); coding-DNA position 1152, G replaced by A.
Protein change: p.Pro384=; no amino-acid change (proline 384 retained).
Molecular consequence: synonymous variant.
Genome position (GRCh38, 1-based): chr1:2,030,075, G>A. VCF-style: chr1-2030075-G-A. GRCh37 (hg19) VCF-style: chr1-1961514-G-A.
Identifiers: ClinVar variation 790958 (VCV000790958.14), dbSNP rs77557135, ClinGen allele CA534933.